The following is an entry in ClinVar:

NM_000260.4(MYO7A):c.4834C>T (p.Gln1612Ter)

Gene: MYO7A (myosin VIIA; plus strand). Cytogenetic location: 11q13.5.
Variant type: single nucleotide variant.
Coding change: c.4834C>T on transcript NM_000260.4 (MANE Select); coding-DNA position 4834, C replaced by T.
Protein change: p.Gln1612Ter; replaces glutamine 1612 with a stop codon.
Molecular consequence: nonsense.
Genome position (GRCh38, 1-based): chr11:77,199,800, C>T. VCF-style: chr11-77199800-C-T. GRCh37 (hg19) VCF-style: chr11-76910845-C-T.
Other names: c.4720C>T, p.Gln1574Ter (NM_001127180.2); c.4687C>T, p.Gln1563Ter (NM_001369365.1); short protein forms Q1574*, Q1563*, Q1612*.
Identifiers: ClinVar variation 2103371 (VCV002103371.4), dbSNP rs2497594698, ClinGen allele CA381951027.
Genomic context (GRCh38, chr11:77,199,800, plus strand): 5'-GACCTGGTGGTCACCTTCCTAGAGGGGCTCCGGAAGAGATCTAAGTATGTTGTGGCCCTG[C>T]AGGATAACCCCAACCCCGGTGAGTGGCTGCTGGTATGGACTGCCTGGCACTGGGGGTCAG-3'

ClinVar aggregate classification (germline): Pathogenic (1 of 4 stars; one submission).

Allele frequency attached by ClinVar (database versions not stated): gnomAD exomes below 0.00001.
gnomAD v4.1: 2 of 1,596,308 alleles (0.00013%); highest among the groups gnomAD compares: African/African-American, 0.0027%; no homozygotes.

Submission:

Labcorp Genetics (formerly Invitae), Labcorp
Classification: Pathogenic. Last evaluated: 2026-01-16. Review status: criteria provided, single submitter. Criteria: Invitae Variant Classification Sherloc (09022015). Collection method: clinical testing. Allele origin: germline.
Comment: This sequence change creates a premature translational stop signal (p.Gln1612*) in the MYO7A gene. It is expected to result in an absent or disrupted protein product. Loss-of-function variants in MYO7A are known to be pathogenic (PMID: 8900236, 25404053). This variant is not present in population databases (gnomAD no frequency). This variant has not been reported in the literature in individuals affected with MYO7A-related conditions. ClinVar contains an entry for this variant (Variation ID: 2103371). Algorithms developed to predict the effect of sequence changes on RNA splicing suggest that this variant may create or strengthen a splice site. For these reasons, this variant has been classified as Pathogenic.

Literature cited by the submitters: PubMed 8900236; PubMed 25404053.